The following is an entry in ClinVar:

NM_001197104.2(KMT2A):c.9255C>A (p.Asn3085Lys)

Gene: KMT2A (lysine methyltransferase 2A; plus strand). Cytogenetic location: 11q23.3.
Variant type: single nucleotide variant.
Coding change: c.9255C>A on transcript NM_001197104.2 (MANE Select); coding-DNA position 9255, C replaced by A.
Protein change: p.Asn3085Lys; replaces asparagine 3085 with lysine.
Molecular consequence: missense variant.
Genome position (GRCh38, 1-based): chr11:118,505,147, C>A. VCF-style: chr11-118505147-C-A. GRCh37 (hg19) VCF-style: chr11-118375862-C-A.
Other names: c.9345C>A, p.Asn3115Lys (NM_001412597.1); c.9246C>A, p.Asn3082Lys (NM_005933.4); short protein forms N3082K, N3085K, N3115K.
Identifiers: ClinVar variation 2505959 (VCV002505959.1), dbSNP rs782272243, ClinGen allele CA382819427.

ClinVar aggregate classification (germline): Uncertain significance (1 of 4 stars; one submission).

Submission:

GeneDx
Classification: Uncertain significance. Last evaluated: 2022-12-14. Review status: criteria provided, single submitter. Criteria: GeneDx Variant Classification Process June 2021. Collection method: clinical testing. Allele origin: germline. Affected: yes.
Comment: Not observed at significant frequency in large population cohorts (gnomAD); In silico analysis supports that this missense variant has a deleterious effect on protein structure/function; Has not been previously published as pathogenic or benign to our knowledge